The following is an entry in ClinVar:

ClinVar aggregate classification (germline): Conflicting classifications of pathogenicity. Review status: criteria provided, conflicting classifications (1 of 4 stars). 4 submissions from 4 submitters: Uncertain significance (3); Likely benign (1). Last evaluated 2024-02-16.

Conditions:
Inborn genetic diseases. Identifiers: MedGen C0950123, MeSH D030342.
Neuropathy, hereditary sensory, type 2C. Also called: Hereditary sensory and autonomic neuropathy type IIC; KIF1A-Related HSAN2 (HSAN2C). Identifiers: Orphanet 970, MedGen C3280168, MONDO:0013634, OMIM 614213.
Intellectual disability, autosomal dominant 9 (NESCAVS). Also called: KIF1A-Related Neurodevelopmental Disorder; NESCAV SYNDROME. Identifiers: Orphanet 662367, MedGen C5393830, MONDO:0013656, OMIM 614255.
Hereditary spastic paraplegia 30. Identifiers: Orphanet 101010, MedGen C5235139, MONDO:0012476.

Allele frequency attached by ClinVar (database versions not stated): gnomAD 0.00001; gnomAD exomes 0.00001 and 0.00002; TOPMed 0.00001; ExAC 0.00002.

Submissions (4):

Blueprint Genetics
Classification: Uncertain significance. Last evaluated: 2024-02-16. Review status: criteria provided, single submitter. Criteria: ACMG Guidelines, 2015. Collection method: clinical testing. Allele origin: germline.

Labcorp Genetics (formerly Invitae), Labcorp
Classification: Likely benign for Hereditary spastic paraplegia 30; Neuropathy, hereditary sensory, type 2C; Intellectual disability, autosomal dominant 9. Last evaluated: 2023-07-07. Review status: criteria provided, single submitter. Criteria: Invitae Variant Classification Sherloc (09022015). Collection method: clinical testing. Allele origin: germline.

GeneDx
Classification: Uncertain significance. Last evaluated: 2021-11-03. Review status: criteria provided, single submitter. Criteria: GeneDx Variant Classification Process June 2021. Collection method: clinical testing. Allele origin: germline. Affected: yes.
Comment: In silico analysis supports that this missense variant has a deleterious effect on protein structure/function; Has not been previously published as pathogenic or benign to our knowledge

Ambry Genetics
Classification: Uncertain significance for Inborn genetic diseases. Last evaluated: 2020-03-05. Review status: criteria provided, single submitter. Criteria: Ambry Variant Classification Scheme 2023. Collection method: clinical testing. Allele origin: germline.
Comment: The p.R1129H variant (also known as c.3386G>A), located in coding exon 31 of the KIF1A gene, results from a G to A substitution at nucleotide position 3386. The arginine at codon 1129 is replaced by histidine, an amino acid with highly similar properties. This amino acid position is highly conserved in available vertebrate species. In addition, the in silico prediction for this alteration is inconclusive. Since supporting evidence is limited at this time, the clinical significance of this alteration remains unclear.

NM_001244008.2(KIF1A):c.3386G>A (p.Arg1129His)

Gene: KIF1A (kinesin family member 1A; minus strand). Cytogenetic location: 2q37.3.
Variant type: single nucleotide variant.
Coding change: c.3386G>A on transcript NM_001244008.2 (MANE Select); coding-DNA position 3386, G replaced by A.
Protein change: p.Arg1129His; replaces arginine 1129 with histidine.
Molecular consequence: missense variant.
Genome position (GRCh38, 1-based): chr2:240,745,506, C>T on the plus strand (G>A on the coding strand, the complement: KIF1A is on the minus strand). VCF-style: chr2-240745506-C-T. GRCh37 (hg19) VCF-style: chr2-241684923-C-T.
Other names: c.3110G>A, p.Arg1037His (NM_001320705.2, NM_001330289.2, NM_001379638.1); c.3185G>A, p.Arg1062His (NM_001330290.2, NM_001379634.1, NM_001379635.1 and 1 more transcripts); c.3461G>A, p.Arg1154His (NM_001379631.1); c.3335G>A, p.Arg1112His (NM_001379632.1); c.3359G>A, p.Arg1120His (NM_001379633.1, NM_001379642.1, NM_001379645.1); c.3083G>A, p.Arg1028His (NM_001379636.1, NM_001379639.1, NM_001379641.1 and 5 more transcripts); c.3158G>A, p.Arg1053His (NM_001379637.1, NM_001379648.1); c.3080G>A, p.Arg1027His (NM_001379640.1); short protein forms R1028H, R1037H, R1112H, R1053H, R1120H, R1027H, R1062H, R1129H.
Identifiers: ClinVar variation 1502478 (VCV001502478.11), dbSNP rs769283409, ClinGen allele CA2207817.